The following is an entry in ClinVar:

ClinVar aggregate classification (germline): Uncertain significance (1 of 4 stars; one submission).

Allele frequency attached by ClinVar (database versions not stated): gnomAD exomes below 0.00001.
gnomAD v4.1: 1 of 1,610,942 alleles (0.000062%); highest among the groups gnomAD compares: Admixed American, 0.0017%; no homozygotes.

Submission:

Labcorp Genetics (formerly Invitae), Labcorp
Classification: Uncertain significance. Last evaluated: 2024-02-24. Review status: criteria provided, single submitter. Criteria: Invitae Variant Classification Sherloc (09022015). Collection method: clinical testing. Allele origin: germline.
Comment: This sequence change replaces alanine, which is neutral and non-polar, with glutamic acid, which is acidic and polar, at codon 696 of the NBAS protein (p.Ala696Glu). This variant is present in population databases (no rsID available, gnomAD 0.003%). This variant has not been reported in the literature in individuals affected with NBAS-related conditions. ClinVar contains an entry for this variant (Variation ID: 1394320). Advanced modeling of protein sequence and biophysical properties (such as structural, functional, and spatial information, amino acid conservation, physicochemical variation, residue mobility, and thermodynamic stability) performed at Invitae indicates that this missense variant is not expected to disrupt NBAS protein function with a negative predictive value of 95%. In summary, the available evidence is currently insufficient to determine the role of this variant in disease. Therefore, it has been classified as a Variant of Uncertain Significance.

NM_015909.4(NBAS):c.2087C>A (p.Ala696Glu)

Gene: NBAS (NBAS subunit of NRZ tethering complex; minus strand). Cytogenetic location: 2p24.3.
Variant type: single nucleotide variant.
Coding change: c.2087C>A on transcript NM_015909.4 (MANE Select); coding-DNA position 2087, C replaced by A.
Protein change: p.Ala696Glu; replaces alanine 696 with glutamic acid.
Molecular consequence: missense variant. On other transcripts: non-coding transcript variant (1).
Genome position (GRCh38, 1-based): chr2:15,467,339, G>T on the plus strand (C>A on the coding strand, the complement: NBAS is on the minus strand). VCF-style: chr2-15467339-G-T. GRCh37 (hg19) VCF-style: chr2-15607463-G-T.
Other names: short protein forms A696E.
Identifiers: ClinVar variation 1394320 (VCV001394320.8), dbSNP rs1414290500, ClinGen allele CA345882195.
Genomic context (GRCh38, chr2:15,467,339, plus strand): 5'-TAATGACAGATCAAATGAACATAATTGGTTTGACAAAAATTATTCATTACCTCATATGTT[G>T]CAAGTCGATCTAAGTAGGTTAATAACTTCCGTCTACAACGGCAAAGTTCCTTTTGTTCCA-3'
Protein context (NP_056993.2, residues 686-706): RKLLTYLDRL[Ala696Glu]TYEEILGVPH